The following is an entry in ClinVar:

NM_000108.5(DLD):c.4C>T (p.Gln2Ter)

Gene: DLD (dihydrolipoamide dehydrogenase; plus strand). Cytogenetic location: 7q31.1.
Variant type: single nucleotide variant.
Coding change: c.4C>T on transcript NM_000108.5 (MANE Select); coding-DNA position 4, C replaced by T.
Protein change: p.Gln2Ter; replaces glutamine 2 with a stop codon.
Molecular consequence: nonsense. On other transcripts: 5 prime UTR variant (1).
Genome position (GRCh38, 1-based): chr7:107,891,254, C>T. VCF-style: chr7-107891254-C-T. GRCh37 (hg19) VCF-style: chr7-107531699-C-T.
Other names: c.-145C>T (NM_001289750.1); c.4C>T, p.Gln2Ter (NM_001289751.1, NM_001289752.1); short protein forms Q2*.
Identifiers: ClinVar variation 4817453 (VCV004817453.1).

ClinVar aggregate classification (germline): Likely pathogenic (1 of 4 stars; one submission).

Conditions:
Pyruvate dehydrogenase E3 deficiency (DLDD). Also called: Lipoamide dehydrogenase deficiency, lactic acidosis due to; Dihydrolipoamide Dehydrogenase (E3) Deficiency; MAPLE SYRUP URINE DISEASE, TYPE III; Dihydrolipoamide Dehydrogenase Deficiency; DLD DEFICIENCY; E3 DEFICIENCY. Identifiers: Orphanet 2394, Orphanet 765, MedGen C5574660, MONDO:0009529, OMIM 246900.

Submission:

Natera, Inc.
Classification: Likely pathogenic for Maple syrup urine disease type 3. Last evaluated: 2024-11-18. Review status: criteria provided, single submitter. Criteria: Natera Variant Classification Schema (03/2026). Collection method: clinical testing. Allele origin: germline.
Comment: The c.4C>T variant in DLD is a nonsense variant predicted to introduce a stop codon at amino acid 2. This variant is expected to result in nonsense mediated decay, truncation, or a dysfunctional protein product. This variant is rare in the general population with a frequency below the threshold expected for the associated phenotype(s). Given the available evidence, this variant is classified as Likely Pathogenic.